The following is an entry in ClinVar:

ClinVar aggregate classification (germline): Uncertain significance (1 of 4 stars; one submission).

Conditions:
Alstrom syndrome (ALMS). Identifiers: Orphanet 64, MedGen C0268425, MONDO:0008763, OMIM 203800.

Allele frequency attached by ClinVar (database versions not stated): TOPMed below 0.00001; gnomAD exomes 0.00001.
gnomAD v4.1: 8 of 1,612,838 alleles (0.0005%); highest among the groups gnomAD compares: East Asian, 0.018%; no homozygotes.

Submission:

Labcorp Genetics (formerly Invitae), Labcorp
Classification: Uncertain significance for Alstrom syndrome. Last evaluated: 2021-05-30. Review status: criteria provided, single submitter. Criteria: Invitae Variant Classification Sherloc (09022015). Collection method: clinical testing. Allele origin: germline.
Comment: This sequence change replaces threonine with alanine at codon 1518 of the ALMS1 protein (p.Thr1518Ala). The threonine residue is weakly conserved and there is a small physicochemical difference between threonine and alanine. This variant is not present in population databases (ExAC no frequency). This variant has not been reported in the literature in individuals with ALMS1-related conditions. Experimental studies and prediction algorithms are not available or were not evaluated, and the functional significance of this variant is currently unknown. In summary, the available evidence is currently insufficient to determine the role of this variant in disease. Therefore, it has been classified as a Variant of Uncertain Significance.

NM_001378454.1(ALMS1):c.4549A>G (p.Thr1517Ala)

Gene: ALMS1 (ALMS1 centrosome and basal body associated protein; plus strand). Cytogenetic location: 2p13.1.
Variant type: single nucleotide variant.
Coding change: c.4549A>G on transcript NM_001378454.1 (MANE Select); coding-DNA position 4549, A replaced by G.
Protein change: p.Thr1517Ala; replaces threonine 1517 with alanine.
Molecular consequence: missense variant.
Genome position (GRCh38, 1-based): chr2:73,451,076, A>G. VCF-style: chr2-73451076-A-G. GRCh37 (hg19) VCF-style: chr2-73678203-A-G.
Other names: c.4552A>G, p.Thr1518Ala (NM_015120.4); short protein forms T1517A, T1518A.
Identifiers: ClinVar variation 1520212 (VCV001520212.3), dbSNP rs1572935497, ClinGen allele CA347278766.
Genomic context (GRCh38, chr2:73,451,076, plus strand): 5'-GAAGAGTCTCTGAAAGTTTCAGTTGCTCCTGGACCAGTTGGCCAGACAACTGGCGCACCA[A>G]CTATAACCTCTCCTTCCTACTCACAACATAGAGCAAAGTCTGGCAGTTTCTACCAACTGG-3'
Protein context (NP_001365383.1, residues 1507-1527): GPVGQTTGAP[Thr1517Ala]ITSPSYSQHR